The following is an entry in ClinVar:

NM_000291.4(PGK1):c.539A>G (p.Asn180Ser)

Gene: PGK1 (phosphoglycerate kinase 1; plus strand). Cytogenetic location: Xq21.1.
Variant type: single nucleotide variant.
Coding change: c.539A>G on transcript NM_000291.4 (MANE Select); coding-DNA position 539, A replaced by G.
Protein change: p.Asn180Ser; replaces asparagine 180 with serine.
Molecular consequence: missense variant.
Genome position (GRCh38, 1-based): chrX:78,118,068, A>G. VCF-style: chrX-78118068-A-G. GRCh37 (hg19) VCF-style: chrX-77373565-A-G.
Other names: short protein forms N180S.
Identifiers: ClinVar variation 725769 (VCV000725769.11), dbSNP rs781839243, ClinGen allele CA10459729.

ClinVar aggregate classification (germline): Benign/Likely benign. Review status: criteria provided, multiple submitters, no conflicts (2 of 4 stars). 4 submissions from 4 submitters: Benign (1); Likely benign (2). 1 of the submissions does not count toward it. Last evaluated 2026-01-15.

Conditions:
Glycogen storage disease due to phosphoglycerate kinase 1 deficiency. Also called: PGK1 DEFICIENCY; PHOSPHOGLYCERATE KINASE 1 DEFICIENCY WITH LEVO-DOPA-RESPONSIVE PARKINSONISM. Identifiers: Orphanet 713, MedGen C1970848, MONDO:0010392, OMIM 300653.
PGK1-related disorder. Also called: PGK1-related condition.

Allele frequency attached by ClinVar (database versions not stated): TOPMed 0.00001; gnomAD 0.00002 and 0.00004; gnomAD exomes 0.00002 and 0.00004; ExAC 0.00006.
gnomAD v4.1: 25 of 1,204,976 alleles (0.0021%); highest among the groups gnomAD compares: East Asian, 0.0089%; no homozygotes.

Submissions (4):

Labcorp Genetics (formerly Invitae), Labcorp
Classification: Benign. Last evaluated: 2026-01-15. Review status: criteria provided, single submitter. Criteria: Invitae Variant Classification Sherloc (09022015). Collection method: clinical testing. Allele origin: germline.

Blueprint Genetics
Classification: Likely benign. Last evaluated: 2023-04-21. Review status: criteria provided, single submitter. Criteria: ACMG Guidelines, 2015. Collection method: clinical testing. Allele origin: germline.

Fulgent Genetics
Classification: Likely benign for Glycogen storage disease due to phosphoglycerate kinase 1 deficiency. Last evaluated: 2021-11-11. Review status: criteria provided, single submitter. Criteria: ACMG Guidelines, 2015. Collection method: clinical testing. Allele origin: unknown.

PreventionGenetics, part of Exact Sciences
Classification: Uncertain significance for PGK1-related condition. Last evaluated: 2023-11-08. Review status: no assertion criteria provided. Collection method: clinical testing. Allele origin: germline. Not counted in ClinVar's aggregate classification.
Comment: The PGK1 c.539A>G variant is predicted to result in the amino acid substitution p.Asn180Ser. To our knowledge, this variant has not been reported in the literature. This variant is reported in 0.013% of alleles in individuals of East Asian descent in gnomAD. Although we suspect that this variant may be benign, at this time, the clinical significance of this variant is uncertain due to the absence of conclusive functional and genetic evidence.